The following is an entry in ClinVar:

NM_001830.4(CLCN4):c.2065C>T (p.His689Tyr)

Gene: CLCN4 (chloride voltage-gated channel 4; plus strand). Cytogenetic location: Xp22.2.
Variant type: single nucleotide variant.
Coding change: c.2065C>T on transcript NM_001830.4 (MANE Select); coding-DNA position 2065, C replaced by T.
Protein change: p.His689Tyr; replaces histidine 689 with tyrosine.
Molecular consequence: missense variant.
Genome position (GRCh38, 1-based): chrX:10,220,750, C>T. VCF-style: chrX-10220750-C-T. GRCh37 (hg19) VCF-style: chrX-10188790-C-T.
Other names: c.1783C>T, p.His595Tyr (NM_001256944.2); short protein forms H595Y, H689Y.
Identifiers: ClinVar variation 1365362 (VCV001365362.8), dbSNP rs1477197160, ClinGen allele CA412044484.

ClinVar aggregate classification (germline): Uncertain significance (1 of 4 stars; one submission).

Allele frequency attached by ClinVar (database versions not stated): gnomAD exomes below 0.00001 and 0.00001; gnomAD 0.00001; TOPMed 0.00002.
gnomAD v4.1: 2 of 1,209,940 alleles (0.00017%); highest among the groups gnomAD compares: Admixed American, 0.0022%; no homozygotes.

Submission:

Labcorp Genetics (formerly Invitae), Labcorp
Classification: Uncertain significance. Last evaluated: 2021-05-03. Review status: criteria provided, single submitter. Criteria: Invitae Variant Classification Sherloc (09022015). Collection method: clinical testing. Allele origin: germline.
Comment: In summary, the available evidence is currently insufficient to determine the role of this variant in disease. Therefore, it has been classified as a Variant of Uncertain Significance. Algorithms developed to predict the effect of missense changes on protein structure and function (SIFT, PolyPhen-2, Align-GVGD) all suggest that this variant is likely to be tolerated, but these predictions have not been confirmed by published functional studies and their clinical significance is uncertain. This variant has not been reported in the literature in individuals with CLCN4-related conditions. This variant is not present in population databases (ExAC no frequency). This sequence change replaces histidine with tyrosine at codon 689 of the CLCN4 protein (p.His689Tyr). The histidine residue is moderately conserved and there is a moderate physicochemical difference between histidine and tyrosine.